The following is an entry in ClinVar:

NM_001370466.1(NOD2):c.2474A>G (p.Asn825Ser)

Gene: NOD2 (nucleotide binding oligomerization domain containing 2; plus strand). Cytogenetic location: 16q12.1.
Variant type: single nucleotide variant.
Coding change: c.2474A>G on transcript NM_001370466.1 (MANE Select); coding-DNA position 2474, A replaced by G.
Protein change: p.Asn825Ser; replaces asparagine 825 with serine.
Molecular consequence: missense variant. On other transcripts: non-coding transcript variant (1).
Genome position (GRCh38, 1-based): chr16:50,716,899, A>G. VCF-style: chr16-50716899-A-G. GRCh37 (hg19) VCF-style: chr16-50750810-A-G.
Other names: c.2474A>G, p.Asn825Ser (NM_001293557.2); c.2555A>G, p.Asn852Ser (NM_022162.3); c.2555A>G (LRG_177t1); short protein forms N852S, N825S.
Identifiers: ClinVar variation 97856 (VCV000097856.60), dbSNP rs104895467, ClinGen allele CA150280.

ClinVar aggregate classification (germline): Conflicting classifications of pathogenicity; association. Review status: criteria provided, conflicting classifications (1 of 4 stars). 12 submissions from 11 submitters: Uncertain significance (2); Likely benign (6). 3 of the submissions do not count toward it. Last evaluated 2026-01-27.

Conditions:
Inflammatory bowel disease 1 (IBD1). Also called: Inflammatory bowel disease 1, Crohn disease; INFLAMMATORY BOWEL DISEASE (CROHN DISEASE) 1. Identifiers: MedGen CN260071, MONDO:0009960, OMIM 266600.
Yao syndrome. Also called: Susceptibility to Yao syndrome. Identifiers: MedGen C4310620, MONDO:0015019, OMIM 617321.
Blau syndrome (BLAUS). Also called: GRANULOMATOSIS, FAMILIAL JUVENILE SYSTEMIC; GRANULOMATOSIS, FAMILIAL, BLAU TYPE; GRANULOMATOUS INFLAMMATORY ARTHRITIS, DERMATITIS, AND UVEITIS, FAMILIAL; JABS SYNDROME; ARTHROCUTANEOUVEAL GRANULOMATOSIS. Identifiers: Orphanet 90340, MedGen C5201146, MONDO:0008523, OMIM 186580.
Autoinflammatory syndrome. Identifiers: Orphanet 93665, MedGen C3890737, MONDO:0019751.
Regional enteritis. Also called: Enteritis, Granulomatous. Identifiers: MedGen C0678202, MeSH D003424.

Allele frequency attached by ClinVar (database versions not stated): gnomAD exomes 0.00066 and 0.00117; gnomAD 0.00076; ESP Exome Variant Server 0.00077; TOPMed 0.00097; ExAC 0.00122; 1000 Genomes Project 30x 0.00031; 1000 Genomes Project 0.00040.
gnomAD v4.1: 1,146 of 1,614,080 alleles (0.071%); highest among the groups gnomAD compares: Middle Eastern, 0.4%; 4 homozygotes.

Submissions (12):

Labcorp Genetics (formerly Invitae), Labcorp
Classification: association for Regional enteritis; Blau syndrome. Last evaluated: 2026-01-27. Review status: criteria provided, single submitter. Criteria: Invitae Variant Classification Sherloc (09022015). Collection method: clinical testing. Allele origin: germline.
Comment: This sequence change replaces asparagine, which is neutral and polar, with serine, which is neutral and polar, at codon 852 of the NOD2 protein (p.Asn852Ser). This variant is present in population databases (rs104895467, gnomAD 1.6%), including at least one homozygous and/or hemizygous individual. In a large association analysis involving over 40,000 cases and controls (PMID: 21983784), individuals who carried this variant had a significantly increased risk of Crohn's disease (OR=2.47, 95% CI=1.55-3.93). ClinVar contains an entry for this variant (Variation ID: 97856). Invitae Evidence Modeling of protein sequence and biophysical properties (such as structural, functional, and spatial information, amino acid conservation, physicochemical variation, residue mobility, and thermodynamic stability) indicates that this missense variant is not expected to disrupt NOD2 protein function with a negative predictive value of 95%. Experimental studies have shown that this missense change affects NOD2 function (PMID: 21983784). In summary, this is a common variant that is associated with an increased risk for developing disease. For these reasons, this variant has been classified as an Increased Risk Allele.

CeGaT Center for Human Genetics Tuebingen
Classification: Likely benign. Last evaluated: 2025-09-01. Review status: criteria provided, single submitter. Criteria: CeGaT Center For Human Genetics Tuebingen Variant Classification Criteria Version 2. Collection method: clinical testing. Allele origin: germline. Affected: yes. Observed: 8 variant alleles.
Comment: NOD2: BS1

Blueprint Genetics
Classification: Likely benign. Last evaluated: 2024-11-22. Review status: criteria provided, single submitter. Criteria: ACMG Guidelines, 2015. Collection method: clinical testing. Allele origin: germline.

ARUP Laboratories, Molecular Genetics and Genomics, ARUP Laboratories
Classification: Likely benign. Last evaluated: 2023-08-22. Review status: criteria provided, single submitter. Criteria: ARUP Molecular Germline Variant Investigation Process 2024. Collection method: clinical testing. Allele origin: germline.

Genome Diagnostics Laboratory, The Hospital for Sick Children
Classification: Likely benign for Autoinflammatory syndrome. Last evaluated: 2021-01-29. Review status: criteria provided, single submitter. Criteria: ACMG Guidelines, 2015. Collection method: clinical testing. Allele origin: germline. Affected: yes.

Department of Pathology and Laboratory Medicine, Sinai Health System
Classification: Uncertain significance for Blau syndrome; Inflammatory bowel disease 1; Yao syndrome. Last evaluated: 2020-08-18. Review status: criteria provided, single submitter. Criteria: ACMG Guidelines, 2015. Collection method: research. Allele origin: germline.

Illumina Laboratory Services, Illumina
Classification: Likely benign for Inflammatory bowel disease 1. Last evaluated: 2017-04-27. Review status: criteria provided, single submitter. Criteria: ICSL Variant Classification Criteria 13 December 2019. Collection method: clinical testing. Allele origin: germline.
Comment: This variant was observed as part of a predisposition screen in an ostensibly healthy population. A literature search was performed for the gene, cDNA change, and amino acid change (where applicable). No publications were found based on this search. Allele frequency data from public databases allowed determination this variant is unlikely to cause disease. Therefore, this variant is classified as likely benign.

Illumina Laboratory Services, Illumina
Classification: Likely benign for Blau syndrome. Last evaluated: 2017-04-27. Review status: criteria provided, single submitter. Criteria: ICSL Variant Classification Criteria 13 December 2019. Collection method: clinical testing. Allele origin: germline.
Comment: the same text as in the submission from Illumina Laboratory Services, Illumina above.

GeneDx
Classification: Uncertain significance. Last evaluated: 2016-03-14. Review status: criteria provided, single submitter. Criteria: GeneDx Variant Classification (06012015). Collection method: clinical testing. Allele origin: germline. Affected: yes.
Comment: The N852S variant in the NOD2 gene has been reported in several publications as a rare risk allele associated with Crohn disease in the Ashkenazi Jewish population (Tukel et al., (2004); King et al. (2006); Rivas et al., (2011); Zhang W et al., 2013). The NHLBI ESP Exome Sequencing Project reports N852S was observed with a frequency of 0.11% in 10/8600 alleles from individuals of European background, indicating it may be a rare (benign) variant in this population. The N852S variant is a conservative amino acid substitution, which is not likely to impact secondary protein structure as these residues share similar properties. This substitution occurs at a position that is conserved across species. In silico analysis is inconsistent in its predictions as to whether or not the variant is damaging to the protein structure/function. We interpret N852S in NOD2 as a variant of unknown significance.

Clinical Genetics DNA and cytogenetics Diagnostics Lab, Erasmus MC, Erasmus Medical Center
Classification: Likely benign. Review status: no assertion criteria provided. Collection method: clinical testing. Allele origin: germline. Affected: yes. Study: VKGL Data-share Consensus. Not counted in ClinVar's aggregate classification.

Genome Diagnostics Laboratory, University Medical Center Utrecht
Classification: Likely benign. Review status: no assertion criteria provided. Collection method: clinical testing. Allele origin: germline. Affected: yes. Study: VKGL Data-share Consensus. Not counted in ClinVar's aggregate classification.

Unité médicale des maladies autoinflammatoires, CHRU Montpellier
No classification provided. Condition: Sarcoidosis, early-onset. Review status: no classification provided. Collection method: not provided. Allele origin: unknown. Not counted in ClinVar's aggregate classification.
Comment: also involved in OMIM 186580 and 266600

Literature cited by the submitters: PubMed 21983784 (cited by Labcorp Genetics (formerly Invitae), Labcorp).